The following is an entry in ClinVar:

ClinVar aggregate classification (germline): Uncertain significance (1 of 4 stars; one submission).

Submission:

Labcorp Genetics (formerly Invitae), Labcorp
Classification: Uncertain significance. Last evaluated: 2022-02-24. Review status: criteria provided, single submitter. Criteria: Invitae Variant Classification Sherloc (09022015). Collection method: clinical testing. Allele origin: germline.
Comment: In summary, the available evidence is currently insufficient to determine the role of this variant in disease. Therefore, it has been classified as a Variant of Uncertain Significance. Algorithms developed to predict the effect of missense changes on protein structure and function are either unavailable or do not agree on the potential impact of this missense change (SIFT: "Not Available"; PolyPhen-2: "Benign"; Align-GVGD: "Not Available"). ClinVar contains an entry for this variant (Variation ID: 933727). This variant has not been reported in the literature in individuals affected with CEP250-related conditions. This variant is not present in population databases (gnomAD no frequency). This sequence change replaces alanine, which is neutral and non-polar, with threonine, which is neutral and polar, at codon 1850 of the CEP250 protein (p.Ala1850Thr).

NM_007186.6(CEP250):c.5548G>A (p.Ala1850Thr)

Gene: CEP250 (centrosomal protein 250; plus strand). Cytogenetic location: 20q11.22.
Variant type: single nucleotide variant.
Coding change: c.5548G>A on transcript NM_007186.6 (MANE Select); coding-DNA position 5548, G replaced by A.
Protein change: p.Ala1850Thr; replaces alanine 1850 with threonine.
Molecular consequence: missense variant.
Genome position (GRCh38, 1-based): chr20:35,503,917, G>A. VCF-style: chr20-35503917-G-A. GRCh37 (hg19) VCF-style: chr20-34091745-G-A.
Other names: c.3652G>A, p.Ala1218Thr (NM_001318219.1); short protein forms A1850T, A1218T.
Identifiers: ClinVar variation 933727 (VCV000933727.9), dbSNP rs2064098499, ClinGen allele CA408753625.